The following is an entry in ClinVar:

NM_001854.4(COL11A1):c.157G>A (p.Gly53Arg)

Gene: COL11A1 (collagen type XI alpha 1 chain; minus strand). Cytogenetic location: 1p21.1.
Variant type: single nucleotide variant.
Coding change: c.157G>A on transcript NM_001854.4 (MANE Select); coding-DNA position 157, G replaced by A.
Protein change: p.Gly53Arg; replaces glycine 53 with arginine.
Molecular consequence: missense variant. On other transcripts: non-coding transcript variant (1).
Genome position (GRCh38, 1-based): chr1:103,082,922, C>T on the plus strand (G>A on the coding strand, the complement: COL11A1 is on the minus strand). VCF-style: chr1-103082922-C-T. GRCh37 (hg19) VCF-style: chr1-103548478-C-T.
Other names: c.157G>A, p.Gly53Arg (NM_001190709.2, NM_080629.3, NM_080630.4); c.157G>A (NM_001854.3); short protein forms G53R.
Identifiers: ClinVar variation 1421331 (VCV001421331.9), dbSNP rs1230337575, ClinGen allele CA341168794.

ClinVar aggregate classification (germline): Uncertain significance. Review status: criteria provided, multiple submitters, no conflicts (2 of 4 stars). 2 submissions from 2 submitters: Uncertain significance (2). Last evaluated 2024-03-25.

Allele frequency attached by ClinVar (database versions not stated): TOPMed below 0.00001; gnomAD 0.00001; gnomAD exomes 0.00002.
gnomAD v4.1: 15 of 1,612,986 alleles (0.00093%); highest among the groups gnomAD compares: Non-Finnish European, 0.0013%; no homozygotes.

Submissions (2):

GeneDx
Classification: Uncertain significance. Last evaluated: 2024-03-25. Review status: criteria provided, single submitter. Criteria: GeneDx Variant Classification Process June 2021. Collection method: clinical testing. Allele origin: germline. Affected: yes.
Comment: Not observed at significant frequency in large population cohorts (gnomAD); In silico analysis supports that this missense variant has a deleterious effect on protein structure/function; Has not been previously published as pathogenic or benign to our knowledge; Not located in the triple helical region, where the majority of pathogenic missense variants occur (HGMD; PMID: 25240749); This variant is associated with the following publications: (PMID: 25240749)

Labcorp Genetics (formerly Invitae), Labcorp
Classification: Uncertain significance. Last evaluated: 2021-02-03. Review status: criteria provided, single submitter. Criteria: Invitae Variant Classification Sherloc (09022015). Collection method: clinical testing. Allele origin: germline.
Comment: In summary, the available evidence is currently insufficient to determine the role of this variant in disease. Therefore, it has been classified as a Variant of Uncertain Significance. Advanced modeling of protein sequence and biophysical properties (such as structural, functional, and spatial information, amino acid conservation, physicochemical variation, residue mobility, and thermodynamic stability) performed at Invitae indicates that this missense variant is expected to disrupt COL11A1 protein function. This variant has not been reported in the literature in individuals with COL11A1-related conditions. This variant is not present in population databases (ExAC no frequency). This sequence change replaces glycine with arginine at codon 53 of the COL11A1 protein (p.Gly53Arg). The glycine residue is highly conserved and there is a moderate physicochemical difference between glycine and arginine.